The following is an entry in ClinVar:

NM_001379081.2(FREM1):c.5212C>A (p.Leu1738Met)

Gene: FREM1 (FRAS1 related extracellular matrix 1; minus strand). Cytogenetic location: 9p22.3.
Variant type: single nucleotide variant.
Coding change: c.5212C>A on transcript NM_001379081.2 (MANE Select); coding-DNA position 5212, C replaced by A.
Protein change: p.Leu1738Met; replaces leucine 1738 with methionine.
Molecular consequence: missense variant. On other transcripts: non-coding transcript variant (2).
Genome position (GRCh38, 1-based): chr9:14,759,894, G>T on the plus strand (C>A on the coding strand, the complement: FREM1 is on the minus strand). VCF-style: chr9-14759894-G-T. GRCh37 (hg19) VCF-style: chr9-14759892-G-T.
Other names: c.820C>A, p.Leu274Met (NM_001177704.3, NM_001370058.2, NM_001370061.2); c.5212C>A, p.Leu1738Met (NM_144966.7); short protein forms L1738M, L274M.
Identifiers: ClinVar variation 772909 (VCV000772909.53), dbSNP rs138267253, ClinGen allele CA4989842.

ClinVar aggregate classification (germline): Benign/Likely benign. Review status: criteria provided, multiple submitters, no conflicts (2 of 4 stars). 6 submissions from 6 submitters: Benign (1); Likely benign (5). Last evaluated 2026-01-19.

Conditions:
Oculotrichoanal syndrome (MOTA). Also called: Manitoba Oculotrichoanal (MOTA) Syndrome; MARLES SYNDROME. Identifiers: Orphanet 2717, MedGen C1855425, MONDO:0009560, OMIM 248450.

Allele frequency attached by ClinVar (database versions not stated): ESP Exome Variant Server 0.00234; ExAC 0.00279; gnomAD exomes 0.00295; gnomAD 0.00314 and 0.00323; TOPMed 0.00351; 1000 Genomes Project 30x 0.00375; 1000 Genomes Project 0.00419.
gnomAD v4.1: 4,899 of 1,608,330 alleles (0.3%); highest among the groups gnomAD compares: Middle Eastern, 1.2%; 25 homozygotes.

Submissions (6):

Labcorp Genetics (formerly Invitae), Labcorp
Classification: Likely benign. Last evaluated: 2026-01-19. Review status: criteria provided, single submitter. Criteria: Invitae Variant Classification Sherloc (09022015). Collection method: clinical testing. Allele origin: germline.

Genomic Medicine Center of Excellence, King Faisal Specialist Hospital and Research Centre
Classification: Likely benign. Last evaluated: 2025-08-18. Review status: criteria provided, single submitter. Criteria: ACMG Guidelines, 2015. Collection method: clinical testing. Allele origin: germline.

Blueprint Genetics
Classification: Likely benign. Last evaluated: 2024-11-22. Review status: criteria provided, single submitter. Criteria: ACMG Guidelines, 2015. Collection method: clinical testing. Allele origin: germline.

CeGaT Center for Human Genetics Tuebingen
Classification: Likely benign. Last evaluated: 2024-01-01. Review status: criteria provided, single submitter. Criteria: CeGaT Center For Human Genetics Tuebingen Variant Classification Criteria Version 2. Collection method: clinical testing. Allele origin: germline. Affected: yes. Observed: 3 variant alleles.
Comment: FREM1: BP4, BS2

Illumina Laboratory Services, Illumina
Classification: Benign for Oculotrichoanal syndrome. Last evaluated: 2017-04-27. Review status: criteria provided, single submitter. Criteria: ICSL Variant Classification Criteria 13 December 2019. Collection method: clinical testing. Allele origin: germline.
Comment: This variant was observed as part of a predisposition screen in an ostensibly healthy population. A literature search was performed for the gene, cDNA change, and amino acid change (where applicable). Publications were found based on this search. The evidence from the literature, in combination with allele frequency data from public databases where available, was sufficient to rule this variant out of causing disease. Therefore, this variant is classified as benign.

Breakthrough Genomics
Classification: Likely benign. Review status: criteria provided, single submitter. Criteria: ACMG Guidelines, 2015. Collection method: not provided. Allele origin: germline. Inheritance: Autosomal recessive inheritance. Affected: yes.

Literature cited by the submitters: PubMed 24115501 (cited by Illumina Laboratory Services, Illumina).